The following is an entry in ClinVar:

ClinVar aggregate classification (germline): Uncertain significance (1 of 4 stars; one submission).

Conditions:
Inborn genetic diseases. Identifiers: MedGen C0950123, MeSH D030342.

gnomAD v4.1: 1 of 1,612,562 alleles (0.000062%); highest among the groups gnomAD compares: South Asian, 0.0011%; no homozygotes.

Submission:

Ambry Genetics
Classification: Uncertain significance for Inborn genetic diseases. Last evaluated: 2025-02-05. Review status: criteria provided, single submitter. Criteria: Ambry Variant Classification Scheme 2023. Collection method: clinical testing. Allele origin: germline.
Comment: The p.Q237H variant (also known as c.711G>C), located in coding exon 5 of the ELANE gene, results from a G to C substitution at nucleotide position 711. The glutamine at codon 237 is replaced by histidine, an amino acid with highly similar properties. This amino acid position is conserved. In addition, this alteration is predicted to be tolerated by in silico analysis. Based on the available evidence, the clinical significance of this variant remains unclear.

NM_001972.4(ELANE):c.711G>C (p.Gln237His)

Gene: ELANE (elastase, neutrophil expressed; plus strand). Cytogenetic location: 19p13.3.
Variant type: single nucleotide variant.
Coding change: c.711G>C on transcript NM_001972.4 (MANE Select); coding-DNA position 711, G replaced by C.
Protein change: p.Gln237His; replaces glutamine 237 with histidine.
Molecular consequence: missense variant.
Genome position (GRCh38, 1-based): chr19:856,071, G>C. VCF-style: chr19-856071-G-C. GRCh37 (hg19) VCF-style: chr19-856071-G-C.
Other names: short protein forms Q237H.
Identifiers: ClinVar variation 3844315 (VCV003844315.1).
Genomic context (GRCh38, chr19:856,071, plus strand): 5'-CTTCGTCCGGGGAGGCTGCGCCTCAGGGCTCTACCCCGATGCCTTTGCCCCGGTGGCACA[G>C]TTTGTAAACTGGATCGACTCTATCATCCAACGCTCCGAGGACAACCCCTGTCCCCACCCC-3'
Protein context (NP_001963.1, residues 227-247): LYPDAFAPVA[Gln237His]FVNWIDSIIQ